The following is an entry in ClinVar:

ClinVar aggregate classification (germline): Uncertain significance. Review status: criteria provided, multiple submitters, no conflicts (2 of 4 stars). 10 submissions from 10 submitters: Uncertain significance (8). 2 of the submissions do not count toward it. Last evaluated 2025-06-06.

Conditions:
ALG9 congenital disorder of glycosylation (CDG1L). Also called: CONGENITAL DISORDER OF GLYCOSYLATION, TYPE Il; ALG9-CDG; CDG Il. Identifiers: Orphanet 79328, MedGen C2931006, MONDO:0012117, OMIM 608776.
Cutis laxa with osteodystrophy (ARCL2A). Also called: Debré-Type Cutis Laxa; CUTIS LAXA WITH CONGENITAL DISORDER OF GLYCOSYLATION; Autosomal recessive cutis laxa type 2A; CUTIS LAXA, AUTOSOMAL RECESSIVE, TYPE IIA; CUTIS LAXA WITH BONE DYSTROPHY; CUTIS LAXA WITH GROWTH AND DEVELOPMENTAL DELAY. Identifiers: Orphanet 357058, MedGen C0268355, MONDO:0018163, OMIM 219200. Disease mechanism: loss of function.

Allele frequency attached by ClinVar (database versions not stated): TOPMed 0.00030; gnomAD 0.00032 and 0.00033; gnomAD exomes 0.00035 and 0.00047; ESP Exome Variant Server 0.00038; ExAC 0.00041.

Submissions (10):

GeneDx
Classification: Uncertain significance. Last evaluated: 2025-06-06. Review status: criteria provided, single submitter. Criteria: GeneDx Variant Classification Process June 2021. Collection method: clinical testing. Allele origin: germline. Affected: yes.
Comment: Has not been previously published as pathogenic or benign to our knowledge; In silico analysis supports that this missense variant has a deleterious effect on protein structure/function

Blueprint Genetics
Classification: Uncertain significance. Last evaluated: 2024-11-20. Review status: criteria provided, single submitter. Criteria: ACMG Guidelines, 2015. Collection method: clinical testing. Allele origin: germline.

CeGaT Center for Human Genetics Tuebingen
Classification: Uncertain significance. Last evaluated: 2024-07-01. Review status: criteria provided, single submitter. Criteria: CeGaT Center For Human Genetics Tuebingen Variant Classification Criteria Version 2. Collection method: clinical testing. Allele origin: germline. Affected: yes. Observed: 5 variant alleles.

Labcorp Genetics (formerly Invitae), Labcorp
Classification: Uncertain significance for ALG9 congenital disorder of glycosylation. Last evaluated: 2022-10-13. Review status: criteria provided, single submitter. Criteria: Invitae Variant Classification Sherloc (09022015). Collection method: clinical testing. Allele origin: germline.
Comment: This sequence change replaces proline, which is neutral and non-polar, with leucine, which is neutral and non-polar, at codon 589 of the ATP6V0A2 protein (p.Pro589Leu). This variant is present in population databases (rs149700024, gnomAD 0.07%). This variant has not been reported in the literature in individuals affected with ATP6V0A2-related conditions. ClinVar contains an entry for this variant (Variation ID: 284751). Advanced modeling of protein sequence and biophysical properties (such as structural, functional, and spatial information, amino acid conservation, physicochemical variation, residue mobility, and thermodynamic stability) performed at Invitae indicates that this missense variant is expected to disrupt ATP6V0A2 protein function. In summary, the available evidence is currently insufficient to determine the role of this variant in disease. Therefore, it has been classified as a Variant of Uncertain Significance.

Department of Pathology and Laboratory Medicine, Sinai Health System
Classification: Uncertain significance for autosomal recessive cutis laxa type 2A. Last evaluated: 2020-07-28. Review status: criteria provided, single submitter. Criteria: ACMG Guidelines, 2015. Collection method: research. Allele origin: germline.

Genetic Services Laboratory, University of Chicago
Classification: Uncertain significance. Last evaluated: 2018-11-01. Review status: criteria provided, single submitter. Criteria: ACMG Guidelines, 2015. Collection method: clinical testing. Allele origin: germline. Affected: no.

Illumina Laboratory Services, Illumina
Classification: Uncertain significance for Cutis laxa with osteodystrophy. Last evaluated: 2018-01-13. Review status: criteria provided, single submitter. Criteria: ICSL Variant Classification Criteria 13 December 2019. Collection method: clinical testing. Allele origin: germline.

Eurofins Ntd Llc (ga)
Classification: Uncertain significance. Last evaluated: 2016-08-26. Review status: criteria provided, single submitter. Criteria: EGL Classification Definitions 2015. Collection method: clinical testing. Allele origin: germline. Observed: 2 variant alleles, 2 heterozygotes.

Clinical Genetics DNA and cytogenetics Diagnostics Lab, Erasmus MC, Erasmus Medical Center
Classification: Uncertain significance. Review status: no assertion criteria provided. Collection method: clinical testing. Allele origin: germline. Affected: yes. Study: VKGL Data-share Consensus. Not counted in ClinVar's aggregate classification.

Laboratory of Diagnostic Genome Analysis, Leiden University Medical Center (LUMC)
Classification: Uncertain significance. Review status: no assertion criteria provided. Collection method: clinical testing. Allele origin: germline. Affected: yes. Study: VKGL Data-share Consensus. Not counted in ClinVar's aggregate classification.

NM_012463.4(ATP6V0A2):c.1766C>T (p.Pro589Leu)

Genes: ATP6V0A2 (ATPase H+ transporting V0 subunit a2; plus strand), LOC126861666 (CDK7 strongly-dependent group 2 enhancer GRCh37_chr12:124232793-124233992; plus strand). Cytogenetic location: 12q24.31.
Variant type: single nucleotide variant.
Coding change: c.1766C>T on transcript NM_012463.4 (MANE Select); coding-DNA position 1766, C replaced by T.
Protein change: p.Pro589Leu; replaces proline 589 with leucine.
Molecular consequence: missense variant.
Genome position (GRCh38, 1-based): chr12:123,748,616, C>T. VCF-style: chr12-123748616-C-T. GRCh37 (hg19) VCF-style: chr12-124233163-C-T.
Other names: short protein forms P589L.
Identifiers: ClinVar variation 284751 (VCV000284751.59), dbSNP rs149700024, ClinGen allele CA6862038.